The following is an entry in ClinVar:

NM_003482.4(KMT2D):c.14944T>C (p.Trp4982Arg)

Gene: KMT2D (lysine methyltransferase 2D; minus strand). Cytogenetic location: 12q13.12.
Variant type: single nucleotide variant.
Coding change: c.14944T>C on transcript NM_003482.4 (MANE Select); coding-DNA position 14944, T replaced by C.
Protein change: p.Trp4982Arg; replaces tryptophan 4982 with arginine.
Molecular consequence: missense variant.
Genome position (GRCh38, 1-based): chr12:49,027,022, A>G on the plus strand (T>C on the coding strand, the complement: KMT2D is on the minus strand). VCF-style: chr12-49027022-A-G. GRCh37 (hg19) VCF-style: chr12-49420805-A-G.
Other names: short protein forms W4982R.
Identifiers: ClinVar variation 4985616 (VCV004985616.1).

ClinVar aggregate classification (germline): Uncertain significance (1 of 4 stars; one submission).

Conditions:
KMT2D-related disorder. Also called: KMT2D-Related Disorders.

Submission:

PreventionGenetics, part of Exact Sciences
Classification: Uncertain significance for KMT2D-related condition. Last evaluated: 2024-11-11. Review status: criteria provided, single submitter. Criteria: ACMG Guidelines, 2015. Collection method: clinical testing. Allele origin: germline.
Comment: The KMT2D c.14944T>C variant is predicted to result in the amino acid substitution p.Trp4982Arg. To our knowledge, this variant has not been reported in the literature or in a large population database (gnomAD), indicating this variant is rare. At this time, the clinical significance of this variant is uncertain due to the absence of conclusive functional and genetic evidence.